The following is an entry in ClinVar:

NM_000080.4(CHRNE):c.26T>G (p.Leu9Arg)

Genes: CHRNE (cholinergic receptor nicotinic epsilon subunit; minus strand), C17orf107 (chromosome 17 open reading frame 107; plus strand). Cytogenetic location: 17p13.2.
Variant type: single nucleotide variant.
Coding change: c.26T>G on transcript NM_000080.4 (MANE Select); coding-DNA position 26, T replaced by G.
Protein change: p.Leu9Arg; replaces leucine 9 with arginine.
Molecular consequence: missense variant.
Genome position (GRCh38, 1-based): chr17:4,903,038, A>C on the plus strand (T>G on the coding strand, the complement: CHRNE is on the minus strand). VCF-style: chr17-4903038-A-C. GRCh37 (hg19) VCF-style: chr17-4806333-A-C.
Other names: c.26T>G, p.Leu9Arg (LRG_1254t1); short protein forms L9R.
Identifiers: ClinVar variation 572352 (VCV000572352.9), dbSNP rs1344336890, ClinGen allele CA397308029.

ClinVar aggregate classification (germline): Uncertain significance. Review status: criteria provided, multiple submitters, no conflicts (2 of 4 stars). 2 submissions from 2 submitters: Uncertain significance (2). Last evaluated 2022-06-27.

Conditions:
Congenital myasthenic syndrome 4A. Also called: MYASTHENIC SYNDROME, CONGENITAL, 4A, SLOW-CHANNEL, AUTOSOMAL RECESSIVE; Myasthenic syndrome, congenital, 4a, slow-channel; CONGENITAL MYASTHENIC SYNDROME TYPE Ia1. Identifiers: Orphanet 590, MedGen C4225413, MONDO:0011600, OMIM 605809.
Congenital myasthenic syndrome 4C (CMS4C). Also called: Myasthenic syndrome, congenital, associated with acetylcholine receptor deficiency. Identifiers: Orphanet 590, MedGen C1837091, MONDO:0012157, OMIM 608931.
Congenital myasthenic syndrome 4B. Also called: Myasthenic syndrome, congenital, 4b, fast-channel. Identifiers: Orphanet 590, MedGen C4225369, MONDO:0014586, OMIM 616324.

Allele frequency attached by ClinVar (database versions not stated): gnomAD exomes below 0.00001; gnomAD 0.00001.
gnomAD v4.1: 3 of 1,613,818 alleles (0.00019%); highest among the groups gnomAD compares: African/African-American, 0.0013%; no homozygotes.

Submissions (2):

Labcorp Genetics (formerly Invitae), Labcorp
Classification: Uncertain significance for Congenital myasthenic syndrome 4A. Last evaluated: 2022-06-27. Review status: criteria provided, single submitter. Criteria: Invitae Variant Classification Sherloc (09022015). Collection method: clinical testing. Allele origin: germline.
Comment: This sequence change replaces leucine, which is neutral and non-polar, with arginine, which is basic and polar, at codon 9 of the CHRNE protein (p.Leu9Arg). This variant is present in population databases (no rsID available, gnomAD 0.01%). This missense change has been observed in individual(s) with congenital myasthenic syndrome (PMID: 22678886; Invitae). In at least one individual the data is consistent with being in trans (on the opposite chromosome) from a pathogenic variant. This variant is also known as c.-35T>G (p.Leu-12Arg). ClinVar contains an entry for this variant (Variation ID: 572352). Advanced modeling of protein sequence and biophysical properties (such as structural, functional, and spatial information, amino acid conservation, physicochemical variation, residue mobility, and thermodynamic stability) performed at Invitae indicates that this missense variant is not expected to disrupt CHRNE protein function. In summary, the available evidence is currently insufficient to determine the role of this variant in disease. Therefore, it has been classified as a Variant of Uncertain Significance.

Fulgent Genetics
Classification: Uncertain significance for Congenital myasthenic syndrome 4A; Congenital myasthenic syndrome 4C; Congenital myasthenic syndrome 4B. Last evaluated: 2022-02-22. Review status: criteria provided, single submitter. Criteria: ACMG Guidelines, 2015. Collection method: clinical testing. Allele origin: unknown.

Literature cited by the submitters: PubMed 22678886 (cited by Labcorp Genetics (formerly Invitae), Labcorp).